The following is an entry in ClinVar:

ClinVar aggregate classification (germline): Uncertain significance (1 of 4 stars; one submission).

Conditions:
Autosomal dominant Parkinson disease 8. Also called: LRRK2-Related Parkinson Disease; Parkinson disease 8; Parkinson disease 8, susceptibility to. Identifiers: Orphanet 411602, MedGen C1846862, MONDO:0011764, OMIM 607060.

Allele frequency attached by ClinVar (database versions not stated): gnomAD exomes below 0.00001.
gnomAD v4.1: 1 of 1,614,256 alleles (0.000062%); highest among the groups gnomAD compares: Non-Finnish European, 0.000085%; no homozygotes.

Submission:

Labcorp Genetics (formerly Invitae), Labcorp
Classification: Uncertain significance for Autosomal dominant Parkinson disease 8. Last evaluated: 2025-10-03. Review status: criteria provided, single submitter. Criteria: Invitae Variant Classification Sherloc (09022015). Collection method: clinical testing. Allele origin: germline.
Comment: This sequence change replaces glutamine, which is neutral and polar, with arginine, which is basic and polar, at codon 2178 of the LRRK2 protein (p.Gln2178Arg). This variant is not present in population databases (gnomAD no frequency). This variant has not been reported in the literature in individuals affected with LRRK2-related conditions. ClinVar contains an entry for this variant (Variation ID: 3007026). Invitae Evidence Modeling of protein sequence and biophysical properties (such as structural, functional, and spatial information, amino acid conservation, physicochemical variation, residue mobility, and thermodynamic stability) has been performed for this missense variant. However, the output from this modeling did not meet the statistical confidence thresholds required to predict the impact of this variant on LRRK2 protein function. In summary, the available evidence is currently insufficient to determine the role of this variant in disease. Therefore, it has been classified as a Variant of Uncertain Significance.

NM_198578.4(LRRK2):c.6533A>G (p.Gln2178Arg)

Gene: LRRK2 (leucine rich repeat kinase 2; plus strand). Cytogenetic location: 12q12.
Variant type: single nucleotide variant.
Coding change: c.6533A>G on transcript NM_198578.4 (MANE Select); coding-DNA position 6533, A replaced by G.
Protein change: p.Gln2178Arg; replaces glutamine 2178 with arginine.
Molecular consequence: missense variant.
Genome position (GRCh38, 1-based): chr12:40,351,690, A>G. VCF-style: chr12-40351690-A-G. GRCh37 (hg19) VCF-style: chr12-40745492-A-G.
Other names: short protein forms Q2178R.
Identifiers: ClinVar variation 3007026 (VCV003007026.3), dbSNP rs2499982266, ClinGen allele CA384407347.
Genomic context (GRCh38, chr12:40,351,690, plus strand): 5'-CACATCACAACAGCAGGAATGCAAGCATTTGGCTGGGCTGTGGGCACACCGACAGAGGAC[A>G]GCTCTCATTTCTTGACTTAAATACTGAAGGATACACTTCTGAGGTAAATCCAAATGCTCT-3'
Protein context (NP_940980.4, residues 2168-2188): WLGCGHTDRG[Gln2178Arg]LSFLDLNTEG